The following is an entry in ClinVar:

NM_024422.6(DSC2):c.1653A>G (p.Ala551=)

Gene: DSC2 (desmocollin 2; minus strand). Cytogenetic location: 18q12.1.
Variant type: single nucleotide variant.
Coding change: c.1653A>G on transcript NM_024422.6 (MANE Select); coding-DNA position 1653, A replaced by G.
Protein change: p.Ala551=; no amino-acid change (alanine 551 retained).
Molecular consequence: synonymous variant.
Genome position (GRCh38, 1-based): chr18:31,079,857, T>C on the plus strand (A>G on the coding strand, the complement: DSC2 is on the minus strand). VCF-style: chr18-31079857-T-C. GRCh37 (hg19) VCF-style: chr18-28659823-T-C.
Other names: c.1653A>G, p.Ala551= (NM_004949.5).
Identifiers: ClinVar variation 1097028 (VCV001097028.15), dbSNP rs1021990449, ClinGen allele CA297636912.

ClinVar aggregate classification (germline): Likely benign. Review status: criteria provided, multiple submitters, no conflicts (2 of 4 stars). 5 submissions from 5 submitters: Likely benign (5). Last evaluated 2024-10-12.

Conditions:
Cardiovascular phenotype. Identifiers: MedGen CN230736.
Familial isolated arrhythmogenic right ventricular dysplasia. Identifiers: Orphanet 217656, MedGen C4274968, MONDO:0016342.
Cardiomyopathy (CMYO). Also called: Cardiomyopathies. Identifiers: Orphanet 167848, MedGen C0878544, MONDO:0004994, HP:0001638. Inheritance: Various modes of inheritance.
Arrhythmogenic right ventricular dysplasia 11. Also called: Arrhythmogenic Right Ventricular Dysplasia/Cardiomyopathy11; ARRHYTHMOGENIC RIGHT VENTRICULAR DYSPLASIA, FAMILIAL, 11; Arrhythmogenic right ventricular dysplasia 11 with mild palmoplantar keratoderma and woolly hair. Identifiers: MedGen C1864850, MONDO:0012506, OMIM 610476.

Allele frequency attached by ClinVar (database versions not stated): gnomAD exomes below 0.00001.
gnomAD v4.1: 3 of 1,613,988 alleles (0.00019%); highest among the groups gnomAD compares: Non-Finnish European, 0.00025%; no homozygotes.

Submissions (5):

Labcorp Genetics (formerly Invitae), Labcorp
Classification: Likely benign for Arrhythmogenic right ventricular dysplasia 11. Last evaluated: 2024-10-12. Review status: criteria provided, single submitter. Criteria: Invitae Variant Classification Sherloc (09022015). Collection method: clinical testing. Allele origin: germline.

All of Us Research Program, National Institutes of Health
Classification: Likely benign for Familial isolated arrhythmogenic right ventricular dysplasia. Last evaluated: 2023-11-02. Review status: criteria provided, single submitter. Criteria: ACMG Guidelines, 2015. Collection method: clinical testing. Allele origin: germline. Inheritance: Autosomal dominant inheritance. Observed: 2 variant alleles, 2 heterozygotes.
Comment: This study involves interpretation of variants in research participants for the purpose of population health screening. Participant phenotype was not available at the time of variant classification. Additional details can be found in publication PMID: 35346344, PMCID: PMC8962531

Ambry Genetics
Classification: Likely benign for Cardiovascular phenotype. Last evaluated: 2023-04-03. Review status: criteria provided, single submitter. Criteria: Ambry Variant Classification Scheme 2023. Collection method: clinical testing. Allele origin: germline.

Color Diagnostics, LLC DBA Color Health
Classification: Likely benign for Cardiomyopathy. Last evaluated: 2021-02-02. Review status: criteria provided, single submitter. Criteria: ACMG Guidelines, 2015. Collection method: clinical testing. Allele origin: germline.

GeneDx
Classification: Likely benign. Last evaluated: 2019-01-31. Review status: criteria provided, single submitter. Criteria: GeneDx Variant Classification Process June 2021. Collection method: clinical testing. Allele origin: germline. Affected: yes.